The following is an entry in ClinVar:

NM_020982.4(CLDN9):c.318G>A (p.Thr106=)

Gene: CLDN9 (claudin 9; plus strand). Cytogenetic location: 16p13.3.
Variant type: single nucleotide variant.
Coding change: c.318G>A on transcript NM_020982.4 (MANE Select); coding-DNA position 318, G replaced by A.
Protein change: p.Thr106=; no amino-acid change (threonine 106 retained).
Molecular consequence: synonymous variant.
Genome position (GRCh38, 1-based): chr16:3,013,680, G>A. VCF-style: chr16-3013680-G-A. GRCh37 (hg19) VCF-style: chr16-3063681-G-A.
Other names: c.318G>A (NM_020982.3).
Identifiers: ClinVar variation 3024792 (VCV003024792.23), dbSNP rs139700351, ClinGen allele CA7854035.

ClinVar aggregate classification (germline): Likely benign. Review status: criteria provided, multiple submitters, no conflicts (2 of 4 stars). 2 submissions from 2 submitters: Likely benign (2). Last evaluated 2025-09-10.

Conditions:
CLDN9-related disorder. Also called: CLDN9-related condition.

Allele frequency attached by ClinVar (database versions not stated): 1000 Genomes Project 30x 0.00031; 1000 Genomes Project 0.00040; TOPMed 0.00167; ESP Exome Variant Server 0.00177; gnomAD 0.00210.

Submissions (2):

PreventionGenetics, part of Exact Sciences
Classification: Likely benign for CLDN9-related condition. Last evaluated: 2025-09-10. Review status: criteria provided, single submitter. Criteria: ACMG Guidelines, 2015. Collection method: clinical testing. Allele origin: germline.
Comment: This variant is classified as likely benign based on ACMG/AMP sequence variant interpretation guidelines (Richards et al. 2015 PMID: 25741868, with internal and published modifications).

CeGaT Center for Human Genetics Tuebingen
Classification: Likely benign. Last evaluated: 2025-08-01. Review status: criteria provided, single submitter. Criteria: CeGaT Center For Human Genetics Tuebingen Variant Classification Criteria Version 2. Collection method: clinical testing. Allele origin: germline. Affected: yes. Observed: 2 variant alleles.
Comment: CLDN9: BP4, BP7